The following is an entry in ClinVar:

ClinVar aggregate classification (germline): Pathogenic/Likely pathogenic. Review status: criteria provided, multiple submitters, no conflicts (2 of 4 stars). 3 submissions from 3 submitters: Pathogenic (1); Likely pathogenic (2). Last evaluated 2024-09-25.

Conditions:
Familial cancer of breast. Also called: hereditary breast carcinoma; BREAST CANCER, FAMILIAL; Hereditary breast cancer. Identifiers: Orphanet 227535, MedGen C0346153, MONDO:0016419, OMIM 114480. Disease mechanism: loss of function.

Submissions (3):

Labcorp Genetics (formerly Invitae), Labcorp
Classification: Likely pathogenic for Familial cancer of breast. Last evaluated: 2024-09-25. Review status: criteria provided, single submitter. Criteria: Invitae Variant Classification Sherloc (09022015). Collection method: clinical testing. Allele origin: germline.
Comment: This sequence change affects a donor splice site in intron 1 of the PALB2 gene. RNA analysis indicates that disruption of this splice site induces altered splicing and may result in an absent or altered protein product. This variant is not present in population databases (gnomAD no frequency). Disruption of this splice site has been observed in individual(s) with PALB2-related conditions (PMID: 21618343, 31159747, 32853339, 36495689). ClinVar contains an entry for this variant (Variation ID: 871587). Studies have shown that disruption of this splice site results in activation of a cryptic splice site, and produces a non-functional protein and/or introduces a premature termination codon (internal data). In summary, the currently available evidence indicates that the variant is pathogenic, but additional data are needed to prove that conclusively. Therefore, this variant has been classified as Likely Pathogenic.

Myriad Genetics, Inc.
Classification: Likely pathogenic for Familial cancer of breast. Last evaluated: 2023-09-05. Review status: criteria provided, single submitter. Criteria: Myriad Autosomal Dominant, Autosomal Recessive and X-Linked Classification Criteria (2023). Collection method: clinical testing. Allele origin: unknown.
Comment: This variant is considered likely pathogenic. This variant occurs within a consensus splice junction and is predicted to result in abnormal mRNA splicing of either an out-of-frame exon or an in-frame exon necessary for protein stability and/or normal function.

CeGaT Center for Human Genetics Tuebingen
Classification: Pathogenic. Last evaluated: 2018-10-01. Review status: criteria provided, single submitter. Criteria: CeGaT Center For Human Genetics Tuebingen Variant Classification Criteria Version 2. Collection method: clinical testing. Allele origin: germline. Affected: yes. Observed: 1 variant allele.

Literature cited by the submitters: PubMed 21618343 (cited by Labcorp Genetics (formerly Invitae), Labcorp); PubMed 31159747 (cited by Labcorp Genetics (formerly Invitae), Labcorp); PubMed 32853339 (cited by Labcorp Genetics (formerly Invitae), Labcorp); PubMed 36495689 (cited by Labcorp Genetics (formerly Invitae), Labcorp).

NM_024675.4(PALB2):c.48+1G>T

Gene: PALB2 (partner and localizer of BRCA2; minus strand). Cytogenetic location: 16p12.2.
Variant type: single nucleotide variant.
Coding change: c.48+1G>T on transcript NM_024675.4 (MANE Select); the canonical splice donor site of the intron after coding-DNA position 48, G replaced by T.
Molecular consequence: splice donor variant. On other transcripts: 5 prime UTR variant (2), intron variant (2).
Genome position (GRCh38, 1-based): chr16:23,641,109, C>A on the plus strand (G>T on the coding strand, the complement: PALB2 is on the minus strand). VCF-style: chr16-23641109-C-A. GRCh37 (hg19) VCF-style: chr16-23652430-C-A.
Other names: c.-1695G>T (NM_001407304.1, NM_001407310.1); c.-838+18G>T (NM_001407308.1, NM_001407306.1); c.48+1G>T (NM_001407314.1, NM_001407296.1, NM_001407297.1 and 5 more transcripts); c.-105+1G>T (NM_001407313.1, NM_001407312.1); c.-972+1G>T (NM_001407307.1, NM_001407309.1, NM_001407311.1 and 1 more transcripts).
Identifiers: ClinVar variation 871587 (VCV000871587.49), dbSNP rs515726118, ClinGen allele CA395140996.
Genomic context (GRCh38, chr16:23,641,109, plus strand): 5'-CCTAAAACCCTGGGAAAGCGGGGTCAGAGTCCTGCGTCCGCCCTTCCCGCACCCCCGGCA[C>A]CTTTTCCTTCTCCTCACAGCTGAGGGGCTTCCCGGGAGGCTCGTCCATCGGGCAGGCGAC-3'